The following is an entry in ClinVar:

ClinVar aggregate classification (germline): Likely benign (1 of 4 stars; one submission).

Conditions:
Hypertrophic cardiomyopathy. Also called: HYPERTROPHIC MYOCARDIOPATHY. Identifiers: Orphanet 217569, MedGen C0007194, MeSH D002312, MONDO:0005045, HP:0001639.

Submission:

All of Us Research Program, National Institutes of Health
Classification: Likely benign for Hypertrophic cardiomyopathy. Last evaluated: 2023-11-20. Review status: criteria provided, single submitter. Criteria: ACMG Guidelines, 2015. Collection method: clinical testing. Allele origin: germline. Inheritance: Autosomal dominant inheritance. Observed: 1 variant allele, 1 heterozygote.
Comment: This study involves interpretation of variants in research participants for the purpose of population health screening. Participant phenotype was not available at the time of variant classification. Additional details can be found in publication PMID: 35346344, PMCID: PMC8962531

NM_016203.4(PRKAG2):c.369C>T (p.Phe123=)

Gene: PRKAG2 (protein kinase AMP-activated non-catalytic subunit gamma 2; minus strand). Cytogenetic location: 7q36.1.
Variant type: single nucleotide variant.
Coding change: c.369C>T on transcript NM_016203.4 (MANE Select); coding-DNA position 369, C replaced by T.
Protein change: p.Phe123=; no amino-acid change (phenylalanine 123 retained).
Molecular consequence: synonymous variant. On other transcripts: intron variant (1).
Genome position (GRCh38, 1-based): chr7:151,781,249, G>A on the plus strand (C>T on the coding strand, the complement: PRKAG2 is on the minus strand). VCF-style: chr7-151781249-G-A. GRCh37 (hg19) VCF-style: chr7-151478335-G-A.
Other names: c.237C>T, p.Phe79= (NM_001040633.2, NM_001407024.1, NM_001407026.1 and 2 more transcripts); c.369C>T, p.Phe123= (NM_001407021.1, NM_001407022.1, NM_001407023.1 and 2 more transcripts); c.148+33167C>T (NM_001407032.1).
Identifiers: ClinVar variation 3074487 (VCV003074487.1), dbSNP rs2537921916, ClinGen allele CA458884159.